The following is an entry in ClinVar:

NM_001377540.1(SLMAP):c.456+3A>G

Gene: SLMAP (sarcolemma associated protein; plus strand). Cytogenetic location: 3p14.3.
Variant type: single nucleotide variant.
Coding change: c.456+3A>G on transcript NM_001377540.1 (MANE Select); 3 bases into the intron after coding-DNA position 456, A replaced by G.
Molecular consequence: intron variant.
Genome position (GRCh38, 1-based): chr3:57,847,236, A>G. VCF-style: chr3-57847236-A-G. GRCh37 (hg19) VCF-style: chr3-57832963-A-G.
Other names: c.456+3A>G (NM_001377562.1, NM_001377552.1, NM_001377551.1 and 17 more transcripts).
Identifiers: ClinVar variation 3615700 (VCV003615700.2).

ClinVar aggregate classification (germline): Uncertain significance (1 of 4 stars; one submission).

Conditions:
Brugada syndrome. Also called: Sudden unexpected nocturnal death syndrome; Sudden unexplained nocturnal death syndrome; Sudden Unexplained Death Syndrome; Sudden Unexplained Nocturnal Death Syndrome (SUNDS). Identifiers: Orphanet 130, MedGen C1142166, MONDO:0015263.

Submission:

Labcorp Genetics (formerly Invitae), Labcorp
Classification: Uncertain significance for Brugada syndrome. Last evaluated: 2024-10-24. Review status: criteria provided, single submitter. Criteria: Invitae Variant Classification Sherloc (09022015). Collection method: clinical testing. Allele origin: germline.
Comment: This sequence change falls in intron 4 of the SLMAP gene. It does not directly change the encoded amino acid sequence of the SLMAP protein. It affects a nucleotide within the consensus splice site. This variant is not present in population databases (gnomAD no frequency). This variant has not been reported in the literature in individuals affected with SLMAP-related conditions. Variants that disrupt the consensus splice site are a relatively common cause of aberrant splicing (PMID: 17576681, 9536098). Algorithms developed to predict the effect of sequence changes on RNA splicing suggest that this variant may disrupt the consensus splice site. In summary, the available evidence is currently insufficient to determine the role of this variant in disease. Therefore, it has been classified as a Variant of Uncertain Significance.

Literature cited by the submitters: PubMed 17576681; PubMed 9536098.